The following is an entry in ClinVar:

NM_001042492.3(NF1):c.587-3C>G

Gene: NF1 (neurofibromin 1; plus strand). Cytogenetic location: 17q11.2.
Variant type: single nucleotide variant.
Coding change: c.587-3C>G on transcript NM_001042492.3 (MANE Select); 3 bases into the intron before coding-DNA position 587, C replaced by G.
Molecular consequence: intron variant.
Genome position (GRCh38, 1-based): chr17:31,181,419, C>G. VCF-style: chr17-31181419-C-G. GRCh37 (hg19) VCF-style: chr17-29508437-C-G.
Other names: c.587-3C>G (NM_000267.4, NM_001128147.3).
Identifiers: ClinVar variation 481968 (VCV000481968.8), dbSNP rs375188075, ClinGen allele CA658656544.

ClinVar aggregate classification (germline): Pathogenic/Likely pathogenic. Review status: criteria provided, multiple submitters, no conflicts (2 of 4 stars). 2 submissions from 2 submitters: Pathogenic (1); Likely pathogenic (1). Last evaluated 2025-01-21.

Conditions:
Cardiovascular phenotype. Identifiers: MedGen CN230736.
Hereditary cancer-predisposing syndrome. Also called: Hereditary neoplastic syndrome; Neoplastic Syndromes, Hereditary; Tumor predisposition; Hereditary Cancer Syndrome. Identifiers: Orphanet 140162, MedGen C0027672, MeSH D009386, MONDO:0015356.
Neurofibromatosis, type 1 (NF1). Also called: VON RECKLINGHAUSEN DISEASE; Peripheral type neurofibromatosis; NEUROFIBROMATOSIS, TYPE I, SOMATIC; Neurofibromatosis, type I. Identifiers: Orphanet 636, MedGen C0027831, MONDO:0018975, OMIM 162200. Disease mechanism: loss of function.

Submissions (2):

Ambry Genetics
Classification: Likely pathogenic for Cardiovascular phenotype; Hereditary cancer-predisposing syndrome. Last evaluated: 2025-01-21. Review status: criteria provided, single submitter. Criteria: Ambry Variant Classification Scheme 2023. Collection method: clinical testing. Allele origin: germline.
Comment: The c.587-3C>G intronic variant results from a C to G substitution 3 nucleotides upstream from coding exon 6 in the NF1 gene. This variant was reported in individual(s) with features consistent with neurofibromatosis type 1 (Ambry internal data; Wimmer K et al. Hum Mutat, 2020 Jun;41:1145-1156). This nucleotide position is well conserved in available vertebrate species. In silico splice site analysis predicts that this alteration will weaken the native splice acceptor site, and may result in the creation or strengthening of a novel splice acceptor site. This variant is considered to be rare based on population cohorts in the Genome Aggregation Database (gnomAD). Based on the majority of available evidence to date, this variant is likely to be pathogenic.

UAB Medical Genomics Laboratory, UAB Medicine
Classification: Pathogenic for Neurofibromatosis, type 1. Last evaluated: 2020-01-20. Review status: criteria provided, single submitter. Criteria: ACMG Guidelines, 2015. Collection method: clinical testing. Allele origin: germline. Affected: yes.

Literature cited by the submitters: PubMed 32126153 (cited by Ambry Genetics and UAB Medical Genomics Laboratory, UAB Medicine); PubMed 9783703 (cited by Ambry Genetics).